The following is an entry in ClinVar:

NM_001365951.3(KIF1B):c.3020G>A (p.Arg1007His)

Gene: KIF1B (kinesin family member 1B; plus strand). Cytogenetic location: 1p36.22.
Variant type: single nucleotide variant.
Coding change: c.3020G>A on transcript NM_001365951.3 (MANE Select); coding-DNA position 3020, G replaced by A.
Protein change: p.Arg1007His; replaces arginine 1007 with histidine.
Molecular consequence: missense variant.
Genome position (GRCh38, 1-based): chr1:10,334,615, G>A. VCF-style: chr1-10334615-G-A. GRCh37 (hg19) VCF-style: chr1-10394673-G-A.
Other names: c.3020G>A, p.Arg1007His (NM_001365952.1); c.2882G>A, p.Arg961His (NM_015074.3); short protein forms R961H, R1007H.
Identifiers: ClinVar variation 694936 (VCV000694936.10), dbSNP rs145494902, ClinGen allele CA581670.
Genomic context (GRCh38, chr1:10,334,615, plus strand): 5'-TGCCCCTGATCCACAGGGTGGCCATCGTCAGTGAGAAAGGTGAAGTGCGGGGATTTCTGC[G>A]TGTGGCTGTACAGGCCATCGCAGGTAGGTGACCCTCTTCTGAAATGAGAGCTGTGAGTTC-3'
Protein context (NP_001352880.1, residues 997-1017): SEKGEVRGFL[Arg1007His]VAVQAIAADE

ClinVar aggregate classification (germline): Uncertain significance. Review status: criteria provided, multiple submitters, no conflicts (2 of 4 stars). 3 submissions from 3 submitters: Uncertain significance (2). 1 of the submissions does not count toward it. Last evaluated 2025-09-22.

Conditions:
Charcot-Marie-Tooth disease. Also called: Charcot-Marie-Tooth Neuropathy; Charcot-Marie-Tooth Hereditary Neuropathy. Identifiers: Orphanet 166, MedGen C0007959, MONDO:0015626.
Charcot-Marie-Tooth disease type 2. Also called: Charcot-Marie-Tooth type 2. Identifiers: Orphanet 64746, MedGen C0270914, MONDO:0018993.

Allele frequency attached by ClinVar (database versions not stated): TOPMed 0.00002; ESP Exome Variant Server 0.00008.
gnomAD v4.1: 31 of 1,613,662 alleles (0.0019%); highest among the groups gnomAD compares: South Asian, 0.0088%; no homozygotes.

Submissions (3):

Ambry Genetics
Classification: Uncertain significance. Last evaluated: 2025-09-22. Review status: criteria provided, single submitter. Criteria: Ambry Variant Classification Scheme 2023. Collection method: clinical testing. Allele origin: germline.

Labcorp Genetics (formerly Invitae), Labcorp
Classification: Uncertain significance for Charcot-Marie-Tooth disease type 2. Last evaluated: 2025-03-18. Review status: criteria provided, single submitter. Criteria: Invitae Variant Classification Sherloc (09022015). Collection method: clinical testing. Allele origin: germline.
Comment: This sequence change replaces arginine, which is basic and polar, with histidine, which is basic and polar, at codon 961 of the KIF1B protein (p.Arg961His). This variant is present in population databases (rs145494902, gnomAD 0.01%). This variant has not been reported in the literature in individuals affected with KIF1B-related conditions. ClinVar contains an entry for this variant (Variation ID: 694936). Invitae Evidence Modeling of protein sequence and biophysical properties (such as structural, functional, and spatial information, amino acid conservation, physicochemical variation, residue mobility, and thermodynamic stability) indicates that this missense variant is not expected to disrupt KIF1B protein function with a negative predictive value of 80%. In summary, the available evidence is currently insufficient to determine the role of this variant in disease. Therefore, it has been classified as a Variant of Uncertain Significance.

Genesis Genome Database
Classification: Uncertain significance for Charcot-Marie-Tooth disease. Last evaluated: 2019-08-14. Review status: no assertion criteria provided. Collection method: research. Allele origin: germline. Affected: yes. Not counted in ClinVar's aggregate classification.